The following is an entry in ClinVar:

ClinVar aggregate classification (germline): Uncertain significance. Review status: criteria provided, multiple submitters, no conflicts (2 of 4 stars). 2 submissions from 2 submitters: Uncertain significance (2). Last evaluated 2024-10-07.

Conditions:
Inborn genetic diseases. Identifiers: MedGen C0950123, MeSH D030342.
Multiple sulfatase deficiency (MSD). Also called: Mucosulfatidosis; Multiple Sulfatase Deficiency Disease; Sulfatidosis, Juvenile, Austin Type. Identifiers: Orphanet 585, MedGen C0268263, MONDO:0010088, OMIM 272200.

Allele frequency attached by ClinVar (database versions not stated): TOPMed below 0.00001; gnomAD 0.00001; gnomAD exomes 0.00002; ExAC 0.00009.
gnomAD v4.1: 15 of 1,562,158 alleles (0.00096%); highest among the groups gnomAD compares: South Asian, 0.012%; no homozygotes.

Submissions (2):

Ambry Genetics
Classification: Uncertain significance for Inborn genetic diseases. Last evaluated: 2024-10-07. Review status: criteria provided, single submitter. Criteria: Ambry Variant Classification Scheme 2023. Collection method: clinical testing. Allele origin: germline.

Labcorp Genetics (formerly Invitae), Labcorp
Classification: Uncertain significance for Multiple sulfatase deficiency. Last evaluated: 2024-06-24. Review status: criteria provided, single submitter. Criteria: Invitae Variant Classification Sherloc (09022015). Collection method: clinical testing. Allele origin: germline.
Comment: This sequence change replaces glycine, which is neutral and non-polar, with arginine, which is basic and polar, at codon 48 of the SUMF1 protein (p.Gly48Arg). This variant is present in population databases (rs758168390, gnomAD 0.01%). This variant has not been reported in the literature in individuals affected with SUMF1-related conditions. ClinVar contains an entry for this variant (Variation ID: 1360469). Advanced modeling of protein sequence and biophysical properties (such as structural, functional, and spatial information, amino acid conservation, physicochemical variation, residue mobility, and thermodynamic stability) has been performed at Invitae for this missense variant, however the output from this modeling did not meet the statistical confidence thresholds required to predict the impact of this variant on SUMF1 protein function. In summary, the available evidence is currently insufficient to determine the role of this variant in disease. Therefore, it has been classified as a Variant of Uncertain Significance.

NM_182760.4(SUMF1):c.142G>C (p.Gly48Arg)

Genes: SUMF1 (sulfatase modifying factor 1; minus strand), LOC129936056 (ATAC-STARR-seq lymphoblastoid silent region 14016; plus strand). Cytogenetic location: 3p26.1.
Variant type: single nucleotide variant.
Coding change: c.142G>C on transcript NM_182760.4 (MANE Select); coding-DNA position 142, G replaced by C.
Protein change: p.Gly48Arg; replaces glycine 48 with arginine.
Molecular consequence: missense variant.
Genome position (GRCh38, 1-based): chr3:4,467,104, C>G on the plus strand (G>C on the coding strand, the complement: SUMF1 is on the minus strand). VCF-style: chr3-4467104-C-G. GRCh37 (hg19) VCF-style: chr3-4508788-C-G.
Other names: c.142G>C (NM_182760.3); c.142G>C, p.Gly48Arg (NM_001164674.2, NM_001164675.2); short protein forms G48R.
Identifiers: ClinVar variation 1360469 (VCV001360469.8), dbSNP rs758168390, ClinGen allele CA2230708.